The following is an entry in ClinVar:

ClinVar aggregate classification (germline): Conflicting classifications of pathogenicity. Review status: criteria provided, conflicting classifications (1 of 4 stars). 6 submissions from 6 submitters: Uncertain significance (1); Likely benign (5). Last evaluated 2025-09-16.

Conditions:
Familial thoracic aortic aneurysm and aortic dissection (TAAD). Also called: Thoracic aortic aneurysms and dissections. Identifiers: Orphanet 91387, MedGen C4707243, MONDO:0019625.
Aneurysm-osteoarthritis syndrome. Also called: Loeys-Dietz syndrome, type 1C; ANEURYSMS-OSTEOARTHRITIS SYNDROME; SMAD3-Related Loeys-Dietz Syndrome; LOEYS-DIETZ SYNDROME WITH OSTEOARTHRITIS. Identifiers: Orphanet 284984, MedGen C3151087, MONDO:0013426, OMIM 613795.

Allele frequency attached by ClinVar (database versions not stated): gnomAD 0.00003 and 0.00001; gnomAD exomes 0.00003 and 0.00005; TOPMed 0.00002; ExAC 0.00004.
gnomAD v4.1: 51 of 1,614,056 alleles (0.0032%); highest among the groups gnomAD compares: South Asian, 0.042%; no homozygotes.

Submissions (6):

Color Diagnostics, LLC DBA Color Health
Classification: Likely benign for Familial thoracic aortic aneurysm and aortic dissection. Last evaluated: 2025-09-16. Review status: criteria provided, single submitter. Criteria: ACMG Guidelines, 2015. Collection method: clinical testing. Allele origin: germline.

GeneDx
Classification: Uncertain significance. Last evaluated: 2025-08-06. Review status: criteria provided, single submitter. Criteria: GeneDx Variant Classification Process June 2021. Collection method: clinical testing. Allele origin: germline. Affected: yes.
Comment: Has not been previously published as pathogenic or benign to our knowledge; In silico analysis suggests this variant may impact gene splicing. In the absence of RNA/functional studies, the actual effect of this sequence change is unknown.

Labcorp Genetics (formerly Invitae), Labcorp
Classification: Likely benign for Familial thoracic aortic aneurysm and aortic dissection. Last evaluated: 2025-02-16. Review status: criteria provided, single submitter. Criteria: Invitae Variant Classification Sherloc (09022015). Collection method: clinical testing. Allele origin: germline.

Blueprint Genetics
Classification: Likely benign. Last evaluated: 2024-10-28. Review status: criteria provided, single submitter. Criteria: ACMG Guidelines, 2015. Collection method: clinical testing. Allele origin: germline.

Ambry Genetics
Classification: Likely benign for Familial thoracic aortic aneurysm and aortic dissection. Last evaluated: 2024-03-08. Review status: criteria provided, single submitter. Criteria: Ambry Variant Classification Scheme 2023. Collection method: clinical testing. Allele origin: germline.

All of Us Research Program, National Institutes of Health
Classification: Likely benign for Aneurysm-osteoarthritis syndrome. Last evaluated: 2023-11-28. Review status: criteria provided, single submitter. Criteria: ACMG Guidelines, 2015. Collection method: clinical testing. Allele origin: germline. Inheritance: Autosomal dominant inheritance. Observed: 3 variant alleles, 3 heterozygotes.
Comment: This study involves interpretation of variants in research participants for the purpose of population health screening. Participant phenotype was not available at the time of variant classification. Additional details can be found in publication PMID: 35346344, PMCID: PMC8962531

NM_005902.4(SMAD3):c.363C>T (p.Cys121=)

Gene: SMAD3 (SMAD family member 3; plus strand). Cytogenetic location: 15q22.33.
Variant type: single nucleotide variant.
Coding change: c.363C>T on transcript NM_005902.4 (MANE Select); coding-DNA position 363, C replaced by T.
Protein change: p.Cys121=; no amino-acid change (cysteine 121 retained).
Molecular consequence: synonymous variant.
Genome position (GRCh38, 1-based): chr15:67,165,051, C>T. VCF-style: chr15-67165051-C-T. GRCh37 (hg19) VCF-style: chr15-67457389-C-T.
Other names: c.48C>T, p.Cys16= (NM_001145102.2); c.231C>T, p.Cys77= (NM_001145103.2).
Identifiers: ClinVar variation 629788 (VCV000629788.18), dbSNP rs760286714, ClinGen allele CA062154.